The following is an entry in ClinVar:

ClinVar aggregate classification (germline): Conflicting classifications of pathogenicity. Review status: criteria provided, conflicting classifications (1 of 4 stars). 7 submissions from 7 submitters: Uncertain significance (1); Benign (2); Likely benign (3). 1 of the submissions does not count toward it. Last evaluated 2026-01-21.

Conditions:
MYH14-related disorder. Also called: MYH14-related condition.
Peripheral neuropathy-myopathy-hoarseness-hearing loss syndrome. Identifiers: Orphanet 397744, MedGen C3280556, MONDO:0013711, OMIM 614369.
Autosomal dominant nonsyndromic hearing loss 4A. Also called: Deafness, autosomal dominant 4A. Identifiers: Orphanet 90635, MedGen C1833503, MONDO:0010915, OMIM 600652.

Allele frequency attached by ClinVar (database versions not stated): gnomAD exomes 0.00015 and 0.00036; ExAC 0.00049; gnomAD 0.00091 and 0.00093; TOPMed 0.00180; ESP Exome Variant Server 0.00197; 1000 Genomes Project 30x 0.00234; 1000 Genomes Project 0.00240.
gnomAD v4.1: 301 of 1,474,278 alleles (0.02%); highest among the groups gnomAD compares: African/African-American, 0.5%; 3 homozygotes.

Submissions (8):

Labcorp Genetics (formerly Invitae), Labcorp
Classification: Benign. Last evaluated: 2026-01-21. Review status: criteria provided, single submitter. Criteria: Invitae Variant Classification Sherloc (09022015). Collection method: clinical testing. Allele origin: germline.

GeneDx
Classification: Likely benign. Last evaluated: 2020-12-04. Review status: criteria provided, single submitter. Criteria: GeneDx Variant Classification Process June 2021. Collection method: clinical testing. Allele origin: germline. Affected: yes.

Baylor Genetics
Classification: Uncertain significance for Peripheral neuropathy-myopathy-hoarseness-hearing loss syndrome. Last evaluated: 2018-04-11. Review status: criteria provided, single submitter. Criteria: ACMG Guidelines, 2015. Collection method: clinical testing. Allele origin: paternal. Affected: yes.
Comment: This variant was determined to be of uncertain significance according to ACMG Guidelines, 2015 [PMID:25741868].

Illumina Laboratory Services, Illumina
Classification: Likely benign for Autosomal dominant nonsyndromic hearing loss 4A. Last evaluated: 2018-01-13. Review status: criteria provided, single submitter. Criteria: ICSL Variant Classification Criteria 13 December 2019. Collection method: clinical testing. Allele origin: germline.
Comment: This variant was observed in the ICSL laboratory as part of a predisposition screen in an ostensibly healthy population. It had not been previously curated by ICSL or reported in the Human Gene Mutation Database (HGMD: prior to June 1st, 2018), and was therefore a candidate for classification through an automated scoring system. Utilizing variant allele frequency, disease prevalence and penetrance estimates, and inheritance mode, an automated score was calculated to assess if this variant is too frequent to cause the disease. Based on the score and internal cut-off values, a variant classified as likely benign is not then subjected to further curation. The score for this variant resulted in a classification of likely benign for this disease.

Eurofins Ntd Llc (ga)
Classification: Benign. Last evaluated: 2016-06-07. Review status: criteria provided, single submitter. Criteria: EGL Classification Definitions 2015. Collection method: clinical testing. Allele origin: germline. Observed: 1 variant allele, 1 heterozygote.

Laboratory for Molecular Medicine, Mass General Brigham Personalized Medicine
Classification: Likely benign. Last evaluated: 2012-04-30. Review status: criteria provided, single submitter. Criteria: LMM Criteria. Collection method: clinical testing. Allele origin: germline. Observed: 1 variant allele.
Comment: Ala811Val in Exon 21 of MYH14: This variant is not expected to have clinical sig nificance because it has been identified in 0.6% (18/3216) of African American c hromosomes from a broad population by the NHLBI Exome Sequencing Project.

PreventionGenetics, part of Exact Sciences
Classification: Benign for MYH14-related condition. Last evaluated: 2024-07-01. Review status: no assertion criteria provided. Collection method: clinical testing. Allele origin: germline. Not counted in ClinVar's aggregate classification.
Comment: This variant is classified as benign based on ACMG/AMP sequence variant interpretation guidelines (Richards et al. 2015 PMID: 25741868, with internal and published modifications).

Dr. Peter K. Rogan Lab, Western University
No classification provided (evidence only). Condition: Uterine corpus endometrial carcinoma. Review status: no classification provided. Collection method: in vitro. Allele origin: not applicable. Functional consequence: retained intron. Not counted in ClinVar's aggregate classification.

NM_001145809.2(MYH14):c.2432C>T (p.Ala811Val)

Gene: MYH14 (myosin heavy chain 14; plus strand). Cytogenetic location: 19q13.33.
Variant type: single nucleotide variant.
Coding change: c.2432C>T on transcript NM_001145809.2 (MANE Select); coding-DNA position 2432, C replaced by T.
Protein change: p.Ala811Val; replaces alanine 811 with valine.
Molecular consequence: missense variant.
Genome position (GRCh38, 1-based): chr19:50,261,482, C>T. VCF-style: chr19-50261482-C-T. GRCh37 (hg19) VCF-style: chr19-50764739-C-T.
Other names: c.2333C>T, p.Ala778Val (NM_001077186.2); c.2309C>T, p.Ala770Val (NM_024729.4); short protein forms A770V, A811V, A778V.
Identifiers: ClinVar variation 287599 (VCV000287599.24), dbSNP rs201337011, ClinGen allele CA9592953.